The following is an entry in ClinVar:

NM_001042492.3(NF1):c.3486del (p.Met1162fs)

Gene: NF1 (neurofibromin 1; plus strand). Cytogenetic location: 17q11.2.
Variant type: Deletion.
Coding change: c.3486del on transcript NM_001042492.3 (MANE Select); coding-DNA position 3486, one base deleted (G; older notation c.3486delG).
Protein change: p.Met1162fs; shifts the reading frame from methionine 1162.
Molecular consequence: frameshift variant.
Genome position (GRCh38, 1-based): chr17:31,232,871, G deleted. VCF-style (leftmost placement, unchanged base first): chr17-31232870-TG-T. GRCh37 (hg19) VCF-style: chr17-29559888-TG-T.
Other names: c.3486delG, p.Met1162Ilefs (NM_000267.4); short protein forms M1162fs.
Identifiers: ClinVar variation 1453881 (VCV001453881.6), dbSNP rs2151434866, ClinGen allele CA2573153348.

ClinVar aggregate classification (germline): Pathogenic (1 of 4 stars; one submission).

Conditions:
Neurofibromatosis, type 1 (NF1). Also called: Neurofibromatosis, type I; VON RECKLINGHAUSEN DISEASE; NEUROFIBROMATOSIS, TYPE I, SOMATIC; Peripheral type neurofibromatosis. Identifiers: Orphanet 636, MedGen C0027831, MONDO:0018975, OMIM 162200. Disease mechanism: loss of function.

Submission:

Labcorp Genetics (formerly Invitae), Labcorp
Classification: Pathogenic for Neurofibromatosis, type 1. Last evaluated: 2021-11-21. Review status: criteria provided, single submitter. Criteria: Invitae Variant Classification Sherloc (09022015). Collection method: clinical testing. Allele origin: germline.
Comment: For these reasons, this variant has been classified as Pathogenic. This variant has not been reported in the literature in individuals affected with NF1-related conditions. This variant is not present in population databases (gnomAD no frequency). This sequence change creates a premature translational stop signal (p.Met1162Ilefs*4) in the NF1 gene. It is expected to result in an absent or disrupted protein product. Loss-of-function variants in NF1 are known to be pathogenic (PMID: 10712197, 23913538).

Literature cited by the submitters: PubMed 10712197; PubMed 23913538.